The following is an entry in ClinVar:

NM_206920.3(MAMDC4):c.1173C>T (p.Asp391=)

Gene: MAMDC4 (MAM domain containing 4; plus strand). Cytogenetic location: 9q34.3.
Variant type: single nucleotide variant.
Coding change: c.1173C>T on transcript NM_206920.3 (MANE Select); coding-DNA position 1173, C replaced by T.
Protein change: p.Asp391=; no amino-acid change (aspartic acid 391 retained).
Molecular consequence: synonymous variant.
Genome position (GRCh38, 1-based): chr9:136,855,086, C>T. VCF-style: chr9-136855086-C-T. GRCh37 (hg19) VCF-style: chr9-139749538-C-T.
Identifiers: ClinVar variation 2659757 (VCV002659757.24), dbSNP rs1357590465, ClinGen allele CA467839758.

ClinVar aggregate classification (germline): Likely benign (1 of 4 stars; one submission).

Allele frequency attached by ClinVar (database versions not stated): TOPMed 0.00002; gnomAD 0.00003; gnomAD exomes 0.00004.
gnomAD v4.1: 66 of 1,586,468 alleles (0.0042%); highest among the groups gnomAD compares: Non-Finnish European, 0.0056%; no homozygotes.

Submission:

CeGaT Center for Human Genetics Tuebingen
Classification: Likely benign. Last evaluated: 2023-03-01. Review status: criteria provided, single submitter. Criteria: CeGaT Center For Human Genetics Tuebingen Variant Classification Criteria Version 2. Collection method: clinical testing. Allele origin: germline. Affected: yes. Observed: 1 variant allele.
Comment: MAMDC4: BP4, BP7